The following is an entry in ClinVar:

NM_000093.5(COL5A1):c.4609-272C>A

Genes: COL5A1 (collagen type V alpha 1 chain; plus strand), LOC101448202 (uncharacterized LOC101448202; minus strand). Cytogenetic location: 9q34.3.
Variant type: single nucleotide variant.
Coding change: c.4609-272C>A on transcript NM_000093.5 (MANE Select); 272 bases into the intron before coding-DNA position 4609, C replaced by A.
Molecular consequence: intron variant.
Genome position (GRCh38, 1-based): chr9:134,822,726, C>A. VCF-style: chr9-134822726-C-A. GRCh37 (hg19) VCF-style: chr9-137714572-C-A.
Other names: c.4609-272C>A (NM_001278074.1).
Identifiers: ClinVar variation 669754 (VCV000669754.1), dbSNP rs113171199, ClinGen allele CA201098865.

ClinVar aggregate classification (germline): Likely benign (1 of 4 stars; one submission).

gnomAD v4.1: 1,462 of 150,624 alleles (0.97%); highest among the groups gnomAD compares: Middle Eastern, 2.4%; 13 homozygotes.

Submission:

GeneDx
Classification: Likely benign. Last evaluated: 2018-06-19. Review status: criteria provided, single submitter. Criteria: GeneDx Variant Classification (06012015). Collection method: clinical testing. Allele origin: germline. Affected: yes.
Comment: This variant is considered likely benign or benign based on one or more of the following criteria: it is a conservative change, it occurs at a poorly conserved position in the protein, it is predicted to be benign by multiple in silico algorithms, and/or has population frequency not consistent with disease.